The following is an entry in ClinVar:

ClinVar aggregate classification (germline): Uncertain significance (1 of 4 stars; one submission).

Conditions:
Baller-Gerold syndrome (BGS). Also called: CRANIOSYNOSTOSIS WITH RADIAL DEFECTS. Identifiers: Orphanet 1225, MedGen C0265308, MONDO:0009039, OMIM 218600.

Allele frequency attached by ClinVar (database versions not stated): TOPMed below 0.00001.
gnomAD v4.1: 1 of 1,607,172 alleles (0.000062%); highest among the groups gnomAD compares: East Asian, 0.0022%; no homozygotes.

Submission:

Labcorp Genetics (formerly Invitae), Labcorp
Classification: Uncertain significance for Baller-Gerold syndrome. Last evaluated: 2022-02-08. Review status: criteria provided, single submitter. Criteria: Invitae Variant Classification Sherloc (09022015). Collection method: clinical testing. Allele origin: germline.
Comment: This sequence change replaces serine, which is neutral and polar, with arginine, which is basic and polar, at codon 1079 of the RECQL4 protein (p.Ser1079Arg). This variant is not present in population databases (gnomAD no frequency). This variant has not been reported in the literature in individuals affected with RECQL4-related conditions. Experimental studies and prediction algorithms are not available or were not evaluated, and the functional significance of this variant is currently unknown. In summary, the available evidence is currently insufficient to determine the role of this variant in disease. Therefore, it has been classified as a Variant of Uncertain Significance.

NM_004260.4(RECQL4):c.3237C>G (p.Ser1079Arg)

Gene: RECQL4 (RecQ like helicase 4; minus strand). Cytogenetic location: 8q24.3.
Variant type: single nucleotide variant.
Coding change: c.3237C>G on transcript NM_004260.4 (MANE Select); coding-DNA position 3237, C replaced by G.
Protein change: p.Ser1079Arg; replaces serine 1079 with arginine.
Molecular consequence: missense variant.
Genome position (GRCh38, 1-based): chr8:144,512,067, G>C on the plus strand (C>G on the coding strand, the complement: RECQL4 is on the minus strand). VCF-style: chr8-144512067-G-C. GRCh37 (hg19) VCF-style: chr8-145737450-G-C.
Other names: short protein forms S1079R.
Identifiers: ClinVar variation 1389313 (VCV001389313.3), dbSNP rs770553956, ClinGen allele CA372669460.